The following is an entry in ClinVar:

NM_003924.4(PHOX2B):c.334G>A (p.Glu112Lys)

Gene: PHOX2B (paired like homeobox 2B; minus strand). Cytogenetic location: 4p13.
Variant type: single nucleotide variant.
Coding change: c.334G>A on transcript NM_003924.4 (MANE Select); coding-DNA position 334, G replaced by A.
Protein change: p.Glu112Lys; replaces glutamic acid 112 with lysine.
Molecular consequence: missense variant.
Genome position (GRCh38, 1-based): chr4:41,747,444, C>T on the plus strand (G>A on the coding strand, the complement: PHOX2B is on the minus strand). VCF-style: chr4-41747444-C-T. GRCh37 (hg19) VCF-style: chr4-41749461-C-T.
Other names: short protein forms E112K.
Identifiers: ClinVar variation 848227 (VCV000848227.10), dbSNP rs1432370889, ClinGen allele CA356740257.

ClinVar aggregate classification (germline): Uncertain significance. Review status: criteria provided, multiple submitters, no conflicts (2 of 4 stars). 2 submissions from 2 submitters: Uncertain significance (2). Last evaluated 2026-07-06.

Conditions:
Hereditary cancer-predisposing syndrome. Also called: Tumor predisposition; Hereditary neoplastic syndrome; Neoplastic Syndromes, Hereditary; Hereditary Cancer Syndrome. Identifiers: Orphanet 140162, MedGen C0027672, MeSH D009386, MONDO:0015356.
Haddad syndrome (OHD). Also called: Ondine-Hirschsprung disease. Identifiers: Orphanet 99803, MedGen C1859049, MONDO:0020493.

Allele frequency attached by ClinVar (database versions not stated): TOPMed below 0.00001.

Submissions (2):

Ambry Genetics
Classification: Uncertain significance for Hereditary cancer-predisposing syndrome. Last evaluated: 2026-07-06. Review status: criteria provided, single submitter. Criteria: Ambry Variant Classification Scheme 2023. Collection method: clinical testing. Allele origin: germline.
Comment: The p.E112K variant (also known as c.334G>A), located in coding exon 2 of the PHOX2B gene, results from a G to A substitution at nucleotide position 334. The glutamic acid at codon 112 is replaced by lysine, an amino acid with similar properties. This amino acid position is conserved. In addition, this alteration is predicted to be deleterious by in silico analysis. Based on the available evidence, the clinical significance of this variant remains unclear.

Labcorp Genetics (formerly Invitae), Labcorp
Classification: Uncertain significance for Haddad syndrome. Last evaluated: 2020-05-12. Review status: criteria provided, single submitter. Criteria: Invitae Variant Classification Sherloc (09022015). Collection method: clinical testing. Allele origin: germline.
Comment: In summary, the available evidence is currently insufficient to determine the role of this variant in disease. Therefore, it has been classified as a Variant of Uncertain Significance. Algorithms developed to predict the effect of missense changes on protein structure and function (SIFT, PolyPhen-2, Align-GVGD) all suggest that this variant is likely to be disruptive, but these predictions have not been confirmed by published functional studies and their clinical significance is uncertain. This variant has not been reported in the literature in individuals with PHOX2B-related conditions. This variant is not present in population databases (ExAC no frequency). This sequence change replaces glutamic acid with lysine at codon 112 of the PHOX2B protein (p.Glu112Lys). The glutamic acid residue is highly conserved and there is a small physicochemical difference between glutamic acid and lysine.